The following is an entry in ClinVar:

ClinVar aggregate classification (germline): Uncertain significance (1 of 4 stars; one submission).

Conditions:
Early-infantile DEE. Also called: Early infantile epileptic encephalopathy; Early infantile epileptic encephalopathy with suppression bursts; Ohtahara syndrome. Identifiers: Orphanet 1934, MedGen C0393706, MONDO:0800491.

Allele frequency attached by ClinVar (database versions not stated): gnomAD exomes 0.00001.
gnomAD v4.1: 9 of 1,613,722 alleles (0.00056%); highest among the groups gnomAD compares: Non-Finnish European, 0.00076%; no homozygotes.

Submission:

Labcorp Genetics (formerly Invitae), Labcorp
Classification: Uncertain significance for Early-infantile DEE. Last evaluated: 2018-11-20. Review status: criteria provided, single submitter. Criteria: Invitae Variant Classification Sherloc (09022015). Collection method: clinical testing. Allele origin: germline.
Comment: In summary, the available evidence is currently insufficient to determine the role of this variant in disease. Therefore, it has been classified as a Variant of Uncertain Significance. Algorithms developed to predict the effect of missense changes on protein structure and function are either unavailable or do not agree on the potential impact of this missense change (SIFT: "Deleterious"; PolyPhen-2: "Benign"; Align-GVGD: "Class C0"). This variant has not been reported in the literature in individuals with SPTAN1-related disease. This variant is not present in population databases (ExAC no frequency). This sequence change replaces glutamic acid with glycine at codon 2157 of the SPTAN1 protein (p.Glu2157Gly). The glutamic acid residue is highly conserved and there is a moderate physicochemical difference between glutamic acid and glycine.

NM_001130438.3(SPTAN1):c.6470A>G (p.Glu2157Gly)

Gene: SPTAN1 (spectrin alpha, non-erythrocytic 1; plus strand). Cytogenetic location: 9q34.11.
Variant type: single nucleotide variant.
Coding change: c.6470A>G on transcript NM_001130438.3 (MANE Select); coding-DNA position 6470, A replaced by G.
Protein change: p.Glu2157Gly; replaces glutamic acid 2157 with glycine.
Molecular consequence: missense variant.
Genome position (GRCh38, 1-based): chr9:128,626,581, A>G. VCF-style: chr9-128626581-A-G. GRCh37 (hg19) VCF-style: chr9-131388860-A-G.
Other names: c.6395A>G, p.Glu2132Gly (NM_001195532.2); c.6470A>G, p.Glu2157Gly (NM_001363759.2); c.6410A>G, p.Glu2137Gly (NM_001363765.2); c.6455A>G, p.Glu2152Gly (NM_003127.4); short protein forms E2132G, E2157G, E2137G, E2152G.
Identifiers: ClinVar variation 639206 (VCV000639206.9), dbSNP rs985288328, ClinGen allele CA200407654.